The following is an entry in ClinVar:

ClinVar aggregate classification (germline): Uncertain significance (1 of 4 stars; one submission).

Conditions:
Hypertrophic cardiomyopathy. Also called: HYPERTROPHIC MYOCARDIOPATHY. Identifiers: Orphanet 217569, MedGen C0007194, MeSH D002312, MONDO:0005045, HP:0001639.

Submission:

Labcorp Genetics (formerly Invitae), Labcorp
Classification: Uncertain significance for Hypertrophic cardiomyopathy. Last evaluated: 2016-07-24. Review status: criteria provided, single submitter. Criteria: Invitae Variant Classification Sherloc (09022015). Collection method: clinical testing. Allele origin: germline.
Comment: A gross duplication of the genomic region encompassing the full coding sequence of the MYOZ2 gene has been identified. The boundaries of this event are unknown as the duplication extends beyond the assayed region for this gene and therefore may encompass additional genes. As the precise location of this duplication is unknown, it may be in tandem or it may be located elsewhere in the genome. This gross duplication is not present in population databases and has not been reported in the literature in individuals with an MYOZ2-related disease. In summary, this variant is a whole gene duplication with uncertain impact on protein function. It has been classified as a Variant of Uncertain significance.

NC_000004.11:g.(?_120057667)_(120108944_?)dup

Gene: MYOZ2 (myozenin 2; plus strand). Cytogenetic location: 4q26.
Variant type: Duplication.
Identifiers: ClinVar variation 417577 (VCV000417577.1).